The following is an entry in ClinVar:

ClinVar aggregate classification (germline): Benign (1 of 4 stars; one submission).

Conditions:
Fanconi anemia complementation group P. Also called: SLX4-Related Fanconi Anemia. Identifiers: Orphanet 84, MedGen C3469542, MONDO:0013499, OMIM 613951.

Allele frequency attached by ClinVar (database versions not stated): gnomAD 0.00471 and 0.00499; 1000 Genomes Project 30x 0.00515; 1000 Genomes Project 0.00539; TOPMed 0.00568.

Submission:

Illumina Laboratory Services, Illumina
Classification: Benign for Fanconi anemia complementation group P. Last evaluated: 2018-01-12. Review status: criteria provided, single submitter. Criteria: ICSL Variant Classification Criteria 13 December 2019. Collection method: clinical testing. Allele origin: germline.
Comment: This variant was observed in the ICSL laboratory as part of a predisposition screen in an ostensibly healthy population. It had not been previously curated by ICSL or reported in the Human Gene Mutation Database (HGMD: prior to June 1st, 2018), and was therefore a candidate for classification through an automated scoring system. Utilizing variant allele frequency, disease prevalence and penetrance estimates, and inheritance mode, an automated score was calculated to assess if this variant is too frequent to cause the disease. Based on the score and internal cut-off values, a variant classified as benign is not then subjected to further curation. The score for this variant resulted in a classification of benign for this disease.

NM_032444.4(SLX4):c.*1095G>A

Gene: SLX4 (SLX4 structure-specific endonuclease subunit; minus strand). Cytogenetic location: 16p13.3.
Variant type: single nucleotide variant.
Coding change: c.*1095G>A on transcript NM_032444.4 (MANE Select); 1095 bases downstream of the stop codon, G replaced by A.
Molecular consequence: 3 prime UTR variant.
Genome position (GRCh38, 1-based): chr16:3,581,247, C>T on the plus strand (G>A on the coding strand, the complement: SLX4 is on the minus strand). VCF-style: chr16-3581247-C-T. GRCh37 (hg19) VCF-style: chr16-3631248-C-T.
Other names: c.*1095G>A (LRG_503t1).
Identifiers: ClinVar variation 319122 (VCV000319122.5), dbSNP rs116498263, ClinGen allele CA10643572.
Genomic context (GRCh38, chr16:3,581,247, plus strand): 5'-TAAAGCCTTTTTGGTTTATTGCACATCATATAAAACTGACTGCACTGTATTTGAAACAGA[C>T]GAGGACATTCACAAGGATGGAGAAACCAAGGTTTCCTTCTTTCCTGGCCCTCATCTTCCT-3'